The following is an entry in ClinVar:

ClinVar aggregate classification (germline): Uncertain significance (1 of 4 stars; one submission).

Allele frequency attached by ClinVar (database versions not stated): gnomAD 0.00001.
gnomAD v4.1: 1 of 1,613,834 alleles (0.000062%); highest among the groups gnomAD compares: African/African-American, 0.0013%; no homozygotes.

Submission:

Labcorp Genetics (formerly Invitae), Labcorp
Classification: Uncertain significance. Last evaluated: 2024-12-09. Review status: criteria provided, single submitter. Criteria: Invitae Variant Classification Sherloc (09022015). Collection method: clinical testing. Allele origin: germline.
Comment: This sequence change replaces lysine, which is basic and polar, with glutamic acid, which is acidic and polar, at codon 2213 of the NBAS protein (p.Lys2213Glu). This variant is not present in population databases (gnomAD no frequency). This variant has not been reported in the literature in individuals affected with NBAS-related conditions. ClinVar contains an entry for this variant (Variation ID: 1417594). Invitae Evidence Modeling of protein sequence and biophysical properties (such as structural, functional, and spatial information, amino acid conservation, physicochemical variation, residue mobility, and thermodynamic stability) indicates that this missense variant is not expected to disrupt NBAS protein function with a negative predictive value of 95%. In summary, the available evidence is currently insufficient to determine the role of this variant in disease. Therefore, it has been classified as a Variant of Uncertain Significance.

NM_015909.4(NBAS):c.6637A>G (p.Lys2213Glu)

Gene: NBAS (NBAS subunit of NRZ tethering complex; minus strand). Cytogenetic location: 2p24.3.
Variant type: single nucleotide variant.
Coding change: c.6637A>G on transcript NM_015909.4 (MANE Select); coding-DNA position 6637, A replaced by G.
Protein change: p.Lys2213Glu; replaces lysine 2213 with glutamic acid.
Molecular consequence: missense variant. On other transcripts: non-coding transcript variant (1).
Genome position (GRCh38, 1-based): chr2:15,186,816, T>C on the plus strand (A>G on the coding strand, the complement: NBAS is on the minus strand). VCF-style: chr2-15186816-T-C. GRCh37 (hg19) VCF-style: chr2-15326940-T-C.
Other names: short protein forms K2213E.
Identifiers: ClinVar variation 1417594 (VCV001417594.5), dbSNP rs1465874826, ClinGen allele CA345919105.